The following is an entry in ClinVar:

NM_001009944.3(PKD1):c.4220C>T (p.Pro1407Leu)

Gene: PKD1 (polycystin 1, transient receptor potential channel interacting; minus strand). Cytogenetic location: 16p13.3.
Variant type: single nucleotide variant.
Coding change: c.4220C>T on transcript NM_001009944.3 (MANE Select); coding-DNA position 4220, C replaced by T.
Protein change: p.Pro1407Leu; replaces proline 1407 with leucine.
Molecular consequence: missense variant.
Genome position (GRCh38, 1-based): chr16:2,110,947, G>A on the plus strand (C>T on the coding strand, the complement: PKD1 is on the minus strand). VCF-style: chr16-2110947-G-A. GRCh37 (hg19) VCF-style: chr16-2160948-G-A.
Other names: c.4220C>T, p.Pro1407Leu (NM_000296.4); short protein forms P1407L.
Identifiers: ClinVar variation 433961 (VCV000433961.3), dbSNP rs140412120, ClinGen allele CA7832454.

ClinVar aggregate classification (germline): Uncertain significance (0 of 4 stars; one submission).

Conditions:
Polycystic kidney disease. Also called: Kidney, Polycystic; Polycystic kidney dysplasia. Identifiers: MedGen C0022680, MeSH D007690, MONDO:0020642, HP:0000113.

Allele frequency attached by ClinVar (database versions not stated): gnomAD 0.00010; TOPMed 0.00011; gnomAD exomes 0.00012; ESP Exome Variant Server 0.00015; 1000 Genomes Project 30x 0.00016; ExAC 0.00018; 1000 Genomes Project 0.00020.
gnomAD v4.1: 92 of 1,610,848 alleles (0.0057%); highest among the groups gnomAD compares: African/African-American, 0.024%; 1 homozygote.

Submission:

Department of Pathology and Laboratory Medicine, Sinai Health System
Classification: Uncertain significance for Polycystic Kidney disease. Review status: no assertion criteria provided. Collection method: clinical testing. Allele origin: unknown. Affected: yes. Study: The Canadian Open Genetics Repository (COGR).
Comment: The PKD1 p.Pro1407Leu variant was not identified in the literature nor was it identified in the, GeneInsight COGR, Clinvitae, ClinVar, MutDB, ADPKD Mutation, PKD1-LOVD and PKD1-LOVD 3.0 databases. The variant was identified in dbSNP (ID: rs140412120) as â€šÃ„ÃºNAâ€šÃ„Ã¹, in the 1000 Genomes Project in 1 of 5000 chromosomes (frequency: 0.0002) and in NHLBI GO Exome Sequencing Project in 2 of 4384 African American alleles (freq. 0.0005). In addition, the variant was identified in the Exome Aggregation Consortium database (August 8, 2016) in 21 of 117852 chromosomes (freq. 0.0002) in the following populations: African in 6 of 9630 chromosomes (freq. 0.0006), East Asian in 2 of 8578 chromosomes (freq. 0.0002), South Asian in 3 of 16502 chromosomes (freq. 0.0002), European (Non-Finnish) in 10 of 64154 chromosomes (freq. 0.0002) but was not seen in European (Finnish) and Latino populations. In addition we cannot be certain that data from control databases is specific to PKD1 and not from one of the six PKD1 pseudogenes. The p.Pro1407 residue is conserved in mammals and four out of five computational analyses (PolyPhen-2, SIFT, AlignGVGD, BLOSUM, MutationTaster) do not suggest a high likelihood of impact to the protein; however, this information is not predictive enough to rule out pathogenicity. The variant occurs outside of the splicing consensus sequence and in silico or computational prediction software programs (SpliceSiteFinder, MaxEntScan, NNSPLICE, GeneSplicer, HumanSpliceFinder) do not predict a difference in splicing. In summary, based on the above information, the clinical significance of this variant cannot be determined with certainty at this time. This variant is classified as a variant of uncertain significance.